The following is an entry in ClinVar:

ClinVar aggregate classification (germline): Uncertain significance. Review status: criteria provided, multiple submitters, no conflicts (2 of 4 stars). 2 submissions from 2 submitters: Uncertain significance (2). Last evaluated 2025-05-14.

Conditions:
Multiple endocrine neoplasia, type 2 (MEN2). Identifiers: Orphanet 653, MedGen C4048306, MONDO:0019003. Disease mechanism: gain of function.
Hereditary cancer-predisposing syndrome. Also called: Neoplastic Syndromes, Hereditary; Tumor predisposition; Hereditary neoplastic syndrome; Hereditary Cancer Syndrome. Identifiers: Orphanet 140162, MedGen C0027672, MeSH D009386, MONDO:0015356.

Submissions (2):

Labcorp Genetics (formerly Invitae), Labcorp
Classification: Uncertain significance for Multiple endocrine neoplasia, type 2. Last evaluated: 2025-05-14. Review status: criteria provided, single submitter. Criteria: Invitae Variant Classification Sherloc (09022015). Collection method: clinical testing. Allele origin: germline.
Comment: This sequence change replaces glycine, which is neutral and non-polar, with cysteine, which is neutral and slightly polar, at codon 344 of the RET protein (p.Gly344Cys). This variant is not present in population databases (gnomAD no frequency). This variant has not been reported in the literature in individuals affected with RET-related conditions. ClinVar contains an entry for this variant (Variation ID: 3313710). An algorithm developed to predict the effect of missense changes on protein structure and function (PolyPhen-2) suggests that this variant is likely to be disruptive. In summary, the available evidence is currently insufficient to determine the role of this variant in disease. Therefore, it has been classified as a Variant of Uncertain Significance.

Ambry Genetics
Classification: Uncertain significance for Hereditary cancer-predisposing syndrome. Last evaluated: 2024-03-24. Review status: criteria provided, single submitter. Criteria: Ambry Variant Classification Scheme 2023. Collection method: clinical testing. Allele origin: germline.
Comment: The p.G344C variant (also known as c.1030G>T), located in coding exon 5 of the RET gene, results from a G to T substitution at nucleotide position 1030. The glycine at codon 344 is replaced by cysteine, an amino acid with highly dissimilar properties. This amino acid position is conserved. In addition, the in silico prediction for this alteration is inconclusive. Based on the available evidence, the clinical significance of this alteration remains unclear.

NM_020975.6(RET):c.1030G>T (p.Gly344Cys)

Gene: RET (ret proto-oncogene; plus strand). Cytogenetic location: 10q11.21.
Variant type: single nucleotide variant.
Coding change: c.1030G>T on transcript NM_020975.6 (MANE Select); coding-DNA position 1030, G replaced by T.
Protein change: p.Gly344Cys; replaces glycine 344 with cysteine.
Molecular consequence: missense variant. On other transcripts: intron variant (25).
Genome position (GRCh38, 1-based): chr10:43,106,538, G>T. VCF-style: chr10-43106538-G-T. GRCh37 (hg19) VCF-style: chr10-43601986-G-T.
Other names: c.268G>T, p.Gly90Cys (NM_001355216.2); c.1030G>T, p.Gly344Cys (NM_001406743.1, NM_001406744.1, NM_001406759.1 and 4 more transcripts); c.901G>T, p.Gly301Cys (NM_001406761.1, NM_001406762.1, NM_001406764.1 and 1 more transcripts); c.742G>T, p.Gly248Cys (NM_001406766.1, NM_001406767.1, NM_001406770.1); c.867+1345G>T (NM_001406772.1, NM_001406769.1); c.626-2493G>T (NM_001406773.1, NM_001406771.1); c.625+3909G>T (NM_001406782.1, NM_001406780.1, NM_001406779.1 and 3 more transcripts); c.738+1345G>T (NM_001406774.1); and 5 more; short protein forms G90C, G344C, G301C, G248C.
Identifiers: ClinVar variation 3313710 (VCV003313710.2).
Genomic context (GRCh38, chr10:43,106,538, plus strand): 5'-TGGGCCCAGCAGACCTTCCGGGTGGAACACTGGCCCAACGAGACCTCGGTCCAGGCCAAC[G>T]GCAGCTTCGTGCGGGCGACCGTACATGACTATAGTAAGAGGGGCTGGTGGCACGGCCTGG-3'
Protein context (NP_066124.1, residues 334-354): WPNETSVQAN[Gly344Cys]SFVRATVHDY